The following is an entry in ClinVar:

ClinVar aggregate classification (germline): Benign; Affects. Review status: no assertion criteria provided (0 of 4 stars). 2 submissions from 2 submitters: Benign (1). Last evaluated 2023-07-12.

Conditions:
Severely weakened expression of A on erythrocytes.
ABO blood group system. Also called: ABO BLOOD GROUP SYSTEM, O PHENOTYPE; ABO BLOOD GROUP SYSTEM, A/B POLYMORPHISM; ABO BLOOD GROUP SYSTEM, A2 PHENOTYPE; ABO BLOOD GROUP SYSTEM, CIS-AB PHENOTYPE; ABO BLOOD GROUP SYSTEM, B(A) PHENOTYPE. Identifiers: MedGen C0000778, OMIM 616093, HP:0032224.

Submissions (2):

Division of Hematology and Transfusion Medicine, Lund University
Classification: Benign for Severely weakened expression of A on erythrocytes. Last evaluated: 2023-07-12. Review status: no assertion criteria provided. Collection method: clinical testing. Allele origin: somatic. Affected: yes. Observed: 3 variant alleles.
Comment: c.106dup resulting in p.Val36Glyfs*21 on the ABO*A1.01 allele.

Australian Red Cross Blood Service
Classification: Affects for ABO blood group system. Last evaluated: 2022-11-01. Review status: no assertion criteria provided. Collection method: research. Allele origin: inherited. Inheritance: Codominant.
Comment: Sample has c.106delTinsGG present in cis with c.260_261insG. Predict either A(end) or possible A3 subgroup. Observed serology on Australian donor sample indicated the similarity to A3 subgroup, but weaker in reactivity with the antisera tested. However, no known ABO*A3 alleles are present and unable to perform further serology testing as donor has not returned. Additional samples received from Lok Samarpan Raktadan Kendra (Surat India) also carry this variant and display serological reactivity of A(end)

NM_020469.4(ABO):c.103dup (p.Val36Glyfs)

Gene: ABO (ABO, alpha 1-3-N-acetylgalactosaminyltransferase and alpha 1-3-galactosyltransferase; minus strand). Cytogenetic location: 9q34.2.
Variant type: Duplication.
Coding change: c.103dup on transcript NM_020469.4; coding-DNA position 103, one base duplicated (G; older notation c.103dupG).
Protein change: p.Val36Glyfs; shifts the reading frame from valine 36.
Molecular consequence: frameshift variant.
Genome position (GRCh38, 1-based): chr9:133,261,367, C duplicated on the plus strand (G on the coding strand, the reverse complement: ABO is on the minus strand); the first of 4 consecutive C bases (chr9:133,261,367-133,261,370); duplicating any one gives the same sequence. VCF-style (leftmost placement, unchanged base first): chr9-133261366-A-AC. GRCh37 (hg19) VCF-style: chr9-136136770-A-CC.
Other names: short protein forms V36fs.
Identifiers: ClinVar variation 1185001 (VCV001185001.4), dbSNP rs782544248, ClinGen allele CA860756903.